The following is an entry in ClinVar:

NC_000010.10:g.(?_71075744)_(71103765_?)dup

Gene: HK1 (hexokinase 1; plus strand). Cytogenetic location: 10q22.1.
Variant type: Duplication.
Identifiers: ClinVar variation 2422555 (VCV002422555.4).

ClinVar aggregate classification (germline): Uncertain significance (1 of 4 stars; one submission).

Submission:

Labcorp Genetics (formerly Invitae), Labcorp
Classification: Uncertain significance. Last evaluated: 2022-06-15. Review status: criteria provided, single submitter. Criteria: Invitae Variant Classification Sherloc (09022015). Collection method: clinical testing. Allele origin: germline.
Comment: In summary, the available evidence is currently insufficient to determine the role of this variant in disease. Therefore, it has been classified as a Variant of Uncertain Significance. Experimental studies and prediction algorithms are not available or were not evaluated, and the functional significance of this variant is currently unknown. This variant has not been reported in the literature in individuals affected with HK1-related conditions. This variant results in a copy number gain of the genomic region encompassing exon(s) 1-2 of the HK1 gene. This region includes the initiator codon of the gene. This copy number gain extends beyond the assayed region for this gene and therefore may encompass additional genes. As the precise location of this event is unknown, it may be in tandem or it may be located elsewhere in the genome.